The following is an entry in ClinVar:

ClinVar aggregate classification (germline): Conflicting classifications of pathogenicity. Review status: criteria provided, conflicting classifications (1 of 4 stars). 11 submissions from 11 submitters: Uncertain significance (6); Benign (1); Likely benign (3). 1 of the submissions does not count toward it. Last evaluated 2026-01-21.

Conditions:
Inborn genetic diseases. Identifiers: MedGen C0950123, MeSH D030342.
Charcot-Marie-Tooth disease type 1D. Also called: HEREDITARY MOTOR AND SENSORY NEUROPATHY 1D; HMSN ID; CHARCOT-MARIE-TOOTH NEUROPATHY, TYPE 1D; Charcot-Marie-Tooth disease, demyelinating, type 1d. Identifiers: Orphanet 101084, MedGen C1843247, MONDO:0011890, OMIM 607678.
Tip-toe gait. Also called: Toe walking. Identifiers: MedGen C0427144, HP:0030051.
Charcot-Marie-Tooth disease, type I (CMT1). Also called: Charcot-Marie-Tooth, Type 1; Charcot-Marie-Tooth disease type 1. Identifiers: Orphanet 65753, MedGen C0751036, MONDO:0019011.

Allele frequency attached by ClinVar (database versions not stated): 1000 Genomes Project 30x 0.00016; 1000 Genomes Project 0.00020; ESP Exome Variant Server 0.00023; gnomAD 0.00023 and 0.00024; TOPMed 0.00024; ExAC 0.00057.

Submissions (11):

Labcorp Genetics (formerly Invitae), Labcorp
Classification: Likely benign for Charcot-Marie-Tooth disease, type I. Last evaluated: 2026-01-21. Review status: criteria provided, single submitter. Criteria: Invitae Variant Classification Sherloc (09022015). Collection method: clinical testing. Allele origin: germline.

Mayo Clinic Laboratories, Mayo Clinic
Classification: Uncertain significance. Last evaluated: 2025-05-27. Review status: criteria provided, single submitter. Criteria: ACMG Guidelines, 2015. Collection method: clinical testing. Allele origin: germline. Observed: 4 variant alleles.
Comment: BP4_moderate

Women's Health and Genetics/Laboratory Corporation of America, LabCorp
Classification: Likely benign. Last evaluated: 2025-02-19. Review status: criteria provided, single submitter. Criteria: LabCorp Variant Classification Summary - May 2015. Collection method: clinical testing. Allele origin: germline.
Comment: Variant summary: EGR2 c.192G>C (p.Met64Ile) results in a conservative amino acid change in the encoded protein sequence. Four of five in-silico tools predict a benign effect of the variant on protein function. The variant allele was found at a frequency of 0.0003 in 1607008 control chromosomes in the gnomAD database (v4.1 dataset), including 1 homozygote. The variant, c.192G>C, has been listed to be found in the literature in 5/2517 individuals affected with suspected Charcot-Marie-Tooth Disease (Volodarsky_2021), however no supportive evidence for causality was provided; in addition, the allele frequency in these patients is comparable to the reported population frequency in gnomAD. This report therefore does not provide unequivocal conclusions about association of the variant with EGR2-Related Disorders. To our knowledge, no experimental evidence demonstrating an impact on protein function has been reported. ClinVar contains an entry for this variant (Variation ID: 246186). Based on the evidence outlined above, the variant was classified as likely benign.

GeneDx
Classification: Uncertain significance. Last evaluated: 2025-01-17. Review status: criteria provided, single submitter. Criteria: GeneDx Variant Classification Process June 2021. Collection method: clinical testing. Allele origin: germline. Affected: yes.
Comment: In silico analysis indicates that this missense variant does not alter protein structure/function; This variant is associated with the following publications: (PMID: 37091313, 32376792)

ARUP Laboratories, Molecular Genetics and Genomics, ARUP Laboratories
Classification: Uncertain significance. Last evaluated: 2024-05-31. Review status: criteria provided, single submitter. Criteria: ARUP Molecular Germline Variant Investigation Process 2024. Collection method: clinical testing. Allele origin: germline.
Comment: The EGR2 c.192G>C; p.Met64Ile variant (rs146631014) is reported in the literature in multiple individuals affected with Charcot-Marie-Tooth, although it was not demonstrated to cause disease (Volodarsky 2021). This variant is also reported in ClinVar (Variation ID: 246186). This variant is found in the non-Finnish European population with an allele frequency of 0.07% (88/129154 alleles) in the Genome Aggregation Database. Computational analyses predict that this variant is neutral (REVEL: 0.103). However, given the lack of clinical and functional data, the significance of this variant is uncertain at this time. References: Volodarsky M et al. Comprehensive genetic sequence and copy number analysis for Charcot-Marie-Tooth disease in a Canadian cohort of 2517 patients. J Med Genet. 2021 Apr;58(4):284-288. PMID: 32376792.

Ambry Genetics
Classification: Uncertain significance for Inborn genetic diseases. Last evaluated: 2022-08-18. Review status: criteria provided, single submitter. Criteria: Ambry Variant Classification Scheme 2023. Collection method: clinical testing. Allele origin: germline.
Comment: The p.M64I variant (also known as c.192G>C), located in coding exon 2 of the EGR2 gene, results from a G to C substitution at nucleotide position 192. The methionine at codon 64 is replaced by isoleucine, an amino acid with highly similar properties. This amino acid position is well conserved in available vertebrate species. In addition, this alteration is predicted to be tolerated by in silico analysis. Based on the supporting evidence, this variant is unlikely to be causative of autosomal dominant Charcot-Marie-Tooth disease, type 1D (CMT1D) and Dejerine-Sottas disease (DSS); however, its contribution to the autosomal recessive spectrum of diseases is uncertain.

Revvity Omics, Revvity
Classification: Uncertain significance. Last evaluated: 2022-08-11. Review status: criteria provided, single submitter. Criteria: ACMG Guidelines, 2015. Collection method: clinical testing. Allele origin: germline.

CeGaT Center for Human Genetics Tuebingen
Classification: Uncertain significance. Last evaluated: 2021-06-01. Review status: criteria provided, single submitter. Criteria: CeGaT Center For Human Genetics Tuebingen Variant Classification Criteria Version 2. Collection method: clinical testing. Allele origin: germline. Affected: yes. Observed: 1 variant allele.

Athena Diagnostics
Classification: Benign. Last evaluated: 2021-05-28. Review status: criteria provided, single submitter. Criteria: Athena Diagnostics criteria. Collection method: clinical testing. Allele origin: unknown.

Illumina Laboratory Services, Illumina
Classification: Likely benign for Charcot-Marie-Tooth disease type 1D. Last evaluated: 2018-01-12. Review status: criteria provided, single submitter. Criteria: ICSL Variant Classification Criteria 13 December 2019. Collection method: clinical testing. Allele origin: germline.
Comment: This variant was observed in the ICSL laboratory as part of a predisposition screen in an ostensibly healthy population. It had not been previously curated by ICSL or reported in the Human Gene Mutation Database (HGMD: prior to June 1st, 2018), and was therefore a candidate for classification through an automated scoring system. Utilizing variant allele frequency, disease prevalence and penetrance estimates, and inheritance mode, an automated score was calculated to assess if this variant is too frequent to cause the disease. Based on the score and internal cut-off values, a variant classified as likely benign is not then subjected to further curation. The score for this variant resulted in a classification of likely benign for this disease.

Practice for Gait Abnormalities, David Pomarino, Competency Network Toe Walking C/o Practice Pomarino
Classification: Likely pathogenic for Tip-toe gait. Review status: no assertion criteria provided. Collection method: clinical testing. Allele origin: germline. Affected: yes. Not counted in ClinVar's aggregate classification.
Comment: Hereditary motor sensory neuropathy (HMSN), also known as Charcot-Marie-Tooth Disease (CMT), is the most commonly inherited peripheral polyneuropathy. It constitutes a group of inherited, progressive, motor and sensory peripheral nerve disorders with properties of demyelination, axonal degeneration, or both. It is classified by clinical characteristics, modes of inheritance, electrophysiologic features, metabolic defects, and specific gene markers. Our patients all walk on tiptoe, so they show similar symptoms. When we genetically test them with our toe walking panel, we find that around 90 per cent of them have a genetic variant that explains their toe walking. These can be assigned, for example, to the area of myopathies (such as variants of the COL6A3 gene), the area of hereditary neuropathies (such as variants of the KMT2C gene) or the area of metabolic diseases (such as variants of the PYGM gene). In a smaller group of patients with almost identical symptoms, no abnormality is found in the genes of our panel, but spastic paraplegia can be detected. In another small group of our toe walkers, no abnormalities can be detected in the genes analysed in our toe walking panel, nor do they suffer from spastic paraplegia, as is also the case with healthy children. In contrast to these, however, they show a tiptoe gait. These patients suffer from infantile cerebral palsy, in which toe walking can also be observed.

Literature cited by the submitters: PubMed 32376792 (cited by 3 submitters); PubMed 37091313 (cited by Practice for Gait Abnormalities, David Pomarino, Competency Network Toe Walking C/o Practice Pomarino).

NM_000399.5(EGR2):c.192G>C (p.Met64Ile)

Gene: EGR2 (early growth response 2; minus strand). Cytogenetic location: 10q21.3.
Variant type: single nucleotide variant.
Coding change: c.192G>C on transcript NM_000399.5 (MANE Select); coding-DNA position 192, G replaced by C.
Protein change: p.Met64Ile; replaces methionine 64 with isoleucine.
Molecular consequence: missense variant.
Genome position (GRCh38, 1-based): chr10:62,814,446, C>G on the plus strand (G>C on the coding strand, the complement: EGR2 is on the minus strand). VCF-style: chr10-62814446-C-G. GRCh37 (hg19) VCF-style: chr10-64574206-C-G.
Other names: c.192G>C, p.Met64Ile (NM_001136177.3, NM_001136178.2); c.42G>C, p.Met14Ile (NM_001136179.3, NM_001321037.2); short protein forms M64I, M14I.
Identifiers: ClinVar variation 246186 (VCV000246186.68), dbSNP rs146631014, ClinGen allele CA5517310.